The following is an entry in ClinVar:

NM_001887.4(CRYBB1):c.305T>C (p.Val102Ala)

Genes: CRYBA4 (crystallin beta A4; plus strand), CRYBB1 (crystallin beta B1; minus strand). Cytogenetic location: 22q12.1.
Variant type: single nucleotide variant.
Coding change: c.305T>C on transcript NM_001887.4 (MANE Select); coding-DNA position 305, T replaced by C.
Protein change: p.Val102Ala; replaces valine 102 with alanine.
Molecular consequence: missense variant.
Genome position (GRCh38, 1-based): chr22:26,608,016, A>G on the plus strand (T>C on the coding strand, the complement: CRYBB1 is on the minus strand). VCF-style: chr22-26608016-A-G. GRCh37 (hg19) VCF-style: chr22-27003980-A-G.
Other names: short protein forms V102A.
Identifiers: ClinVar variation 2118150 (VCV002118150.4), dbSNP rs2518958428, ClinGen allele CA411031117.
Genomic context (GRCh38, chr22:26,608,016, plus strand): 5'-GGGTACTCGCCCTTCTCCAGGATGAACATCTCCCCGCGGAAGTTGGACTGCTCAAAGGCG[A>G]CCCAGCTGGATACAAGAAGGACCATGAGGCAGACAGGAGACATATGGTTAGTAGAAGCCC-3'
Protein context (NP_001878.1, residues 92-112): RSIIVSAGPW[Val102Ala]AFEQSNFRGE

ClinVar aggregate classification (germline): Uncertain significance (1 of 4 stars; one submission).

Conditions:
Cataract 17 multiple types. Also called: CATARACT 17, PULVERULENT; CATARACT 17, CONGENITAL NUCLEAR, AUTOSOMAL RECESSIVE. Identifiers: Orphanet 91492, MedGen C3888124, MONDO:0012688, OMIM 611544.

Submission:

Labcorp Genetics (formerly Invitae), Labcorp
Classification: Uncertain significance for Cataract 17 multiple types. Last evaluated: 2022-08-16. Review status: criteria provided, single submitter. Criteria: Invitae Variant Classification Sherloc (09022015). Collection method: clinical testing. Allele origin: germline.
Comment: This sequence change replaces valine, which is neutral and non-polar, with alanine, which is neutral and non-polar, at codon 102 of the CRYBB1 protein (p.Val102Ala). This variant is not present in population databases (gnomAD no frequency). This variant has not been reported in the literature in individuals affected with CRYBB1-related conditions. Algorithms developed to predict the effect of missense changes on protein structure and function (SIFT, PolyPhen-2, Align-GVGD) all suggest that this variant is likely to be disruptive. In summary, the available evidence is currently insufficient to determine the role of this variant in disease. Therefore, it has been classified as a Variant of Uncertain Significance.